The following is an entry in ClinVar:

ClinVar aggregate classification (germline): Likely benign. Review status: criteria provided, single submitter (1 of 4 stars). 2 submissions from 2 submitters: Likely benign (1). 1 of the submissions does not count toward it. Last evaluated 2026-09-01.

Conditions:
NSMCE2-related disorder. Also called: NSMCE2-related condition.

Allele frequency attached by ClinVar (database versions not stated): 1000 Genomes Project 0.00479; 1000 Genomes Project 30x 0.00484; ESP Exome Variant Server 0.00601; gnomAD 0.00633 and 0.00689; TOPMed 0.00676; gnomAD exomes 0.00722; ExAC 0.00768.
gnomAD v4.1: 11,294 of 1,578,362 alleles (0.72%); highest among the groups gnomAD compares: Middle Eastern, 1.7%; 64 homozygotes.

Submissions (2):

CeGaT Center for Human Genetics Tuebingen
Classification: Likely benign. Last evaluated: 2026-09-01. Review status: criteria provided, single submitter. Criteria: CeGaT Center For Human Genetics Tuebingen Variant Classification Criteria Version 2. Collection method: clinical testing. Allele origin: germline. Affected: yes. Observed: 12 variant alleles.
Comment: NSMCE2: BS2

PreventionGenetics, part of Exact Sciences
Classification: Benign for NSMCE2-related condition. Last evaluated: 2019-06-06. Review status: no assertion criteria provided. Collection method: clinical testing. Allele origin: germline. Not counted in ClinVar's aggregate classification.
Comment: This variant is classified as benign based on ACMG/AMP sequence variant interpretation guidelines (Richards et al. 2015 PMID: 25741868, with internal and published modifications).

NM_173685.4(NSMCE2):c.418+27C>T

Gene: NSMCE2 (NSE2 SUMO ligase component of SMC5/6 complex; plus strand). Cytogenetic location: 8q24.13.
Variant type: single nucleotide variant.
Coding change: c.418+27C>T on transcript NM_173685.4 (MANE Select); 27 bases into the intron after coding-DNA position 418, C replaced by T.
Molecular consequence: intron variant. On other transcripts: missense variant (1), non-coding transcript variant (1).
Genome position (GRCh38, 1-based): chr8:125,182,283, C>T. VCF-style: chr8-125182283-C-T. GRCh37 (hg19) VCF-style: chr8-126194525-C-T.
Other names: c.445C>T, p.Arg149Trp (NM_001349487.2); c.418+27C>T (NM_001349486.2, NM_001349485.2); c.445C>T (NM_001349487.1); short protein forms R149W.
Identifiers: ClinVar variation 1695238 (VCV001695238.32), dbSNP rs146237502, ClinGen allele CA4874386.
Genomic context (GRCh38, chr8:125,182,283, plus strand): 5'-TTTAAACAACAGCTGAAAGAACTAAAGAAGCAATGTAAGTCAACATGCTTTGCTTTGGTT[C>T]GGCTTTTTGAAATTAGGGAACTGACTTGATGAACAGCCCCAGTTAACTGATTTTATAAAG-3'